The following is an entry in ClinVar:

NM_153766.3(KCNJ1):c.298A>G (p.Thr100Ala)

Gene: KCNJ1 (potassium inwardly rectifying channel subfamily J member 1; minus strand). Cytogenetic location: 11q24.3.
Variant type: single nucleotide variant.
Coding change: c.298A>G on transcript NM_153766.3 (MANE Select); coding-DNA position 298, A replaced by G.
Protein change: p.Thr100Ala; replaces threonine 100 with alanine.
Molecular consequence: missense variant.
Genome position (GRCh38, 1-based): chr11:128,839,946, T>C on the plus strand (A>G on the coding strand, the complement: KCNJ1 is on the minus strand). VCF-style: chr11-128839946-T-C. GRCh37 (hg19) VCF-style: chr11-128709841-T-C.
Other names: c.298A>G, p.Thr100Ala (NM_153767.4, NM_153764.3); c.355A>G, p.Thr119Ala (NM_000220.6); c.349A>G, p.Thr117Ala (NM_153765.3); c.355A>G (NM_000220.2); short protein forms T119A, T117A, T100A.
Identifiers: ClinVar variation 1418230 (VCV001418230.7), dbSNP rs138440917, ClinGen allele CA6357537.
Genomic context (GRCh38, chr11:128,839,946, plus strand): 5'-GAGTCTCCAGAGAAAACAGAAAAGCTGAGGTCAAGCCATTAATATTCTCCACACAGGGAG[T>C]GTGATTGGCAGAAGGATGGAATTCCGGGAGGTCTTTGTGAATGTACGCTACTGCATACCA-3'
Protein context (NP_722450.1, residues 90-110): LPEFHPSANH[Thr100Ala]PCVENINGLT

ClinVar aggregate classification (germline): Uncertain significance. Review status: criteria provided, multiple submitters, no conflicts (2 of 4 stars). 3 submissions from 3 submitters: Uncertain significance (3). Last evaluated 2022-07-05.

Conditions:
Inborn genetic diseases. Identifiers: MedGen C0950123, MeSH D030342.
Bartter disease type 2. Also called: HYPOKALEMIC ALKALOSIS WITH HYPERCALCIURIA 2, ANTENATAL; Bartter syndrome, type 2, antenatal; HYPERPROSTAGLANDIN E SYNDROME 2. Identifiers: Orphanet 112, Orphanet 620220, MedGen C1855849, MONDO:0009424, OMIM 241200.

Allele frequency attached by ClinVar (database versions not stated): gnomAD exomes 0.00002 and 0.00010; ExAC 0.00011; TOPMed 0.00019; gnomAD 0.00022; ESP Exome Variant Server 0.00031; 1000 Genomes Project 0.00040.
gnomAD v4.1: 58 of 1,613,290 alleles (0.0036%); highest among the groups gnomAD compares: African/African-American, 0.059%; no homozygotes.

Submissions (3):

Labcorp Genetics (formerly Invitae), Labcorp
Classification: Uncertain significance. Last evaluated: 2022-07-05. Review status: criteria provided, single submitter. Criteria: Invitae Variant Classification Sherloc (09022015). Collection method: clinical testing. Allele origin: germline.
Comment: This sequence change replaces threonine, which is neutral and polar, with alanine, which is neutral and non-polar, at codon 119 of the KCNJ1 protein (p.Thr119Ala). This variant is present in population databases (rs138440917, gnomAD 0.09%). This variant has not been reported in the literature in individuals affected with KCNJ1-related conditions. ClinVar contains an entry for this variant (Variation ID: 1418230). Algorithms developed to predict the effect of missense changes on protein structure and function are either unavailable or do not agree on the potential impact of this missense change (SIFT: "Deleterious"; PolyPhen-2: "Probably Damaging"; Align-GVGD: "Class C0"). In summary, the available evidence is currently insufficient to determine the role of this variant in disease. Therefore, it has been classified as a Variant of Uncertain Significance.

Fulgent Genetics
Classification: Uncertain significance for Bartter disease type 2. Last evaluated: 2022-03-09. Review status: criteria provided, single submitter. Criteria: ACMG Guidelines, 2015. Collection method: clinical testing. Allele origin: unknown.

Ambry Genetics
Classification: Uncertain significance for Inborn genetic diseases. Last evaluated: 2021-07-21. Review status: criteria provided, single submitter. Criteria: Ambry Variant Classification Scheme 2023. Collection method: clinical testing. Allele origin: germline.